The following is an entry in ClinVar:

NM_001999.4(FBN2):c.4729G>T (p.Gly1577Cys)

Gene: FBN2 (fibrillin 2; minus strand). Cytogenetic location: 5q23.3.
Variant type: single nucleotide variant.
Coding change: c.4729G>T on transcript NM_001999.4 (MANE Select); coding-DNA position 4729, G replaced by T.
Protein change: p.Gly1577Cys; replaces glycine 1577 with cysteine.
Molecular consequence: missense variant.
Genome position (GRCh38, 1-based): chr5:128,312,784, C>A on the plus strand (G>T on the coding strand, the complement: FBN2 is on the minus strand). VCF-style: chr5-128312784-C-A. GRCh37 (hg19) VCF-style: chr5-127648476-C-A.
Other names: short protein forms G1577C.
Identifiers: ClinVar variation 1710715 (VCV001710715.2), dbSNP rs2479743752, ClinGen allele CA360747774.
Genomic context (GRCh38, chr5:128,312,784, plus strand): 5'-TCTCGGTGTTGCAAGACAGACTCCCATCTCCTCGAGGTCCAAACTTCAGGTAGCAGTTGC[C>A]CACACGGTTGTCTGCAGAGCAACAAAGGAGCTTACAGTTGCCCTTGCTTACATAGTAAGG-3'
Protein context (NP_001990.2, residues 1567-1587): TGVGCVDNRV[Gly1577Cys]NCYLKFGPRG

ClinVar aggregate classification (germline): Uncertain significance (1 of 4 stars; one submission).

Submission:

GeneDx
Classification: Uncertain significance. Last evaluated: 2022-04-15. Review status: criteria provided, single submitter. Criteria: GeneDx Variant Classification Process June 2021. Collection method: clinical testing. Allele origin: germline. Affected: yes.
Comment: Not observed at significant frequency in large population cohorts (gnomAD); In silico analysis supports that this missense variant has a deleterious effect on protein structure/function; Not located within exons 24-33, where the majority of pathogenic variants reported to date occur (Callewaert et al., 2008, Frederic et al., 2009); Has not been previously published as pathogenic or benign to our knowledge; This variant is associated with the following publications: (PMID: 19006240, 18767143)